The following is an entry in ClinVar:

ClinVar aggregate classification (germline): Uncertain significance (1 of 4 stars; one submission).

Conditions:
Developmental and epileptic encephalopathy, 30 (DEE30). Also called: Epileptic encephalopathy, early infantile, 30. Identifiers: MedGen C4225360, MONDO:0014595, OMIM 616341.

Submission:

Labcorp Genetics (formerly Invitae), Labcorp
Classification: Uncertain significance for Developmental and epileptic encephalopathy, 30. Last evaluated: 2024-02-19. Review status: criteria provided, single submitter. Criteria: Invitae Variant Classification Sherloc (09022015). Collection method: clinical testing. Allele origin: germline.
Comment: This sequence change replaces serine, which is neutral and polar, with asparagine, which is neutral and polar, at codon 253 of the SIK1 protein (p.Ser253Asn). This variant is not present in population databases (gnomAD no frequency). This variant has not been reported in the literature in individuals affected with SIK1-related conditions. Advanced modeling of protein sequence and biophysical properties (such as structural, functional, and spatial information, amino acid conservation, physicochemical variation, residue mobility, and thermodynamic stability) performed at Invitae indicates that this missense variant is not expected to disrupt SIK1 protein function with a negative predictive value of 95%. In summary, the available evidence is currently insufficient to determine the role of this variant in disease. Therefore, it has been classified as a Variant of Uncertain Significance.

NM_173354.5(SIK1):c.758G>A (p.Ser253Asn)

Gene: SIK1 (salt inducible kinase 1; minus strand). Cytogenetic location: 21q22.3.
Variant type: single nucleotide variant.
Coding change: c.758G>A on transcript NM_173354.5 (MANE Select); coding-DNA position 758, G replaced by A.
Protein change: p.Ser253Asn; replaces serine 253 with asparagine.
Molecular consequence: missense variant.
Genome position (GRCh38, 1-based): chr21:43,420,448, C>T on the plus strand (G>A on the coding strand, the complement: SIK1 is on the minus strand). VCF-style: chr21-43420448-C-T. GRCh37 (hg19) VCF-style: chr21-44840328-C-T.
Other names: short protein forms S253N.
Identifiers: ClinVar variation 2758130 (VCV002758130.3), dbSNP rs2516966916, ClinGen allele CA410609466.